The following is an entry in ClinVar:

NM_000256.3(MYBPC3):c.540C>T (p.Gly180=)

Gene: MYBPC3 (myosin binding protein C3; minus strand). Cytogenetic location: 11p11.2.
Variant type: single nucleotide variant.
Coding change: c.540C>T on transcript NM_000256.3 (MANE Select); coding-DNA position 540, C replaced by T.
Protein change: p.Gly180=; no amino-acid change (glycine 180 retained).
Molecular consequence: synonymous variant.
Genome position (GRCh38, 1-based): chr11:47,349,888, G>A on the plus strand (C>T on the coding strand, the complement: MYBPC3 is on the minus strand). VCF-style: chr11-47349888-G-A. GRCh37 (hg19) VCF-style: chr11-47371439-G-A.
Identifiers: ClinVar variation 42769 (VCV000042769.24), dbSNP rs371842442, ClinGen allele CA015455.
Genomic context (GRCh38, chr11:47,349,888, plus strand): 5'-GCTCAGGTCCACCCATTTGCCCTTGAACCACTTGACCACAGGCGGCTTCAGGAGGCTGGC[G>A]CCGGCCACGCGGGCTGAGAAGGTGATGCTGCCACCTGCAAAGGCAGGGGCGACAGGCCCG-3'
Protein context (NP_000247.2, residues 170-190): GSITFSARVA[Gly180=]ASLLKPPVVK

ClinVar aggregate classification (germline): Likely benign. Review status: criteria provided, multiple submitters, no conflicts (2 of 4 stars). 11 submissions from 11 submitters: Likely benign (7). 4 of the submissions do not count toward it. Last evaluated 2026-01-06.

Conditions:
Cardiovascular phenotype. Identifiers: MedGen CN230736.
Cardiomyopathy (CMYO). Also called: Cardiomyopathies. Identifiers: Orphanet 167848, MedGen C0878544, MONDO:0004994, HP:0001638. Inheritance: Various modes of inheritance.
Hypertrophic cardiomyopathy. Also called: HYPERTROPHIC MYOCARDIOPATHY. Identifiers: Orphanet 217569, MedGen C0007194, MeSH D002312, MONDO:0005045, HP:0001639.

Allele frequency attached by ClinVar (database versions not stated): gnomAD exomes 0.00003 and 0.00006; ExAC 0.00004; gnomAD 0.00004; TOPMed 0.00004; ESP Exome Variant Server 0.00008.
gnomAD v4.1: 54 of 1,610,370 alleles (0.0034%); highest among the groups gnomAD compares: Admixed American, 0.018%; no homozygotes.

Submissions (11):

Labcorp Genetics (formerly Invitae), Labcorp
Classification: Likely benign for Hypertrophic cardiomyopathy. Last evaluated: 2026-01-06. Review status: criteria provided, single submitter. Criteria: Invitae Variant Classification Sherloc (09022015). Collection method: clinical testing. Allele origin: germline.

Blueprint Genetics
Classification: Likely benign. Last evaluated: 2024-11-25. Review status: criteria provided, single submitter. Criteria: ACMG Guidelines, 2015. Collection method: clinical testing. Allele origin: germline.

All of Us Research Program, National Institutes of Health
Classification: Likely benign for Hypertrophic cardiomyopathy. Last evaluated: 2023-12-13. Review status: criteria provided, single submitter. Criteria: ACMG Guidelines, 2015. Collection method: clinical testing. Allele origin: germline. Inheritance: Autosomal dominant inheritance. Observed: 9 variant alleles, 9 heterozygotes.
Comment: This study involves interpretation of variants in research participants for the purpose of population health screening. Participant phenotype was not available at the time of variant classification. Additional details can be found in publication PMID: 35346344, PMCID: PMC8962531

Color Diagnostics, LLC DBA Color Health
Classification: Likely benign for Cardiomyopathy. Last evaluated: 2020-10-19. Review status: criteria provided, single submitter. Criteria: ACMG Guidelines, 2015. Collection method: clinical testing. Allele origin: germline.

Ambry Genetics
Classification: Likely benign for Cardiovascular phenotype. Last evaluated: 2019-11-01. Review status: criteria provided, single submitter. Criteria: Ambry Variant Classification Scheme 2023. Collection method: clinical testing. Allele origin: germline.

GeneDx
Classification: Likely benign. Last evaluated: 2017-11-07. Review status: criteria provided, single submitter. Criteria: GeneDx Variant Classification (06012015). Collection method: clinical testing. Allele origin: germline. Affected: yes.
Comment: This variant is considered likely benign or benign based on one or more of the following criteria: it is a conservative change, it occurs at a poorly conserved position in the protein, it is predicted to be benign by multiple in silico algorithms, and/or has population frequency not consistent with disease.

Laboratory for Molecular Medicine, Mass General Brigham Personalized Medicine
Classification: Likely benign. Last evaluated: 2011-11-17. Review status: criteria provided, single submitter. Criteria: LMM Criteria. Collection method: clinical testing. Allele origin: germline. Observed: 1 variant allele.
Comment: Gly180Gly in exon 5 of MYBPC3: This variant is not expected to have clinical si gnificance because it does not alter an amino acid residue and is not located ne ar a splice junction. In addition, this variant was listed in one publication a s a polymorphism, although no further information was provided (Millat, 2010). Gly180Gly in exon 5 of MYBPC3 (allele frequency = n/a)

Clinical Genetics, Academic Medical Center
Classification: Benign. Review status: no assertion criteria provided. Collection method: clinical testing. Allele origin: germline. Affected: yes. Study: VKGL Data-share Consensus. Not counted in ClinVar's aggregate classification.

Diagnostic Laboratory, Department of Genetics, University Medical Center Groningen
Classification: Likely benign. Review status: no assertion criteria provided. Collection method: clinical testing. Allele origin: germline. Affected: yes. Study: VKGL Data-share Consensus. Not counted in ClinVar's aggregate classification.

Genome Diagnostics Laboratory, University Medical Center Utrecht
Classification: Likely benign. Review status: no assertion criteria provided. Collection method: clinical testing. Allele origin: germline. Affected: yes. Study: VKGL Data-share Consensus. Not counted in ClinVar's aggregate classification.

Joint Genome Diagnostic Labs from Nijmegen and Maastricht, Radboudumc and MUMC+
Classification: Likely benign. Review status: no assertion criteria provided. Collection method: clinical testing. Allele origin: germline. Affected: yes. Study: VKGL Data-share Consensus. Not counted in ClinVar's aggregate classification.

Literature cited by the submitters: PubMed 20800588 (cited by Laboratory for Molecular Medicine, Mass General Brigham Personalized Medicine).